The following is an entry in ClinVar:

NM_001375567.1(FOCAD):c.2861C>T (p.Pro954Leu)

Gene: FOCAD (focadhesin; plus strand). Cytogenetic location: 9p21.3.
Variant type: single nucleotide variant.
Coding change: c.2861C>T on transcript NM_001375567.1 (MANE Select); coding-DNA position 2861, C replaced by T.
Protein change: p.Pro954Leu; replaces proline 954 with leucine.
Molecular consequence: missense variant.
Genome position (GRCh38, 1-based): chr9:20,923,668, C>T. VCF-style: chr9-20923668-C-T. GRCh37 (hg19) VCF-style: chr9-20923667-C-T.
Other names: c.2756C>T, p.Pro919Leu (NM_001375568.1, NM_001375570.1); c.2861C>T, p.Pro954Leu (NM_017794.5); short protein forms P919L, P954L.
Identifiers: ClinVar variation 3032752 (VCV003032752.4), dbSNP rs200166806, ClinGen allele CA5007314.

ClinVar aggregate classification (germline): Likely benign. Review status: criteria provided, single submitter (1 of 4 stars). 2 submissions from 2 submitters: Likely benign (1). 1 of the submissions does not count toward it. Last evaluated 2025-11-13.

Conditions:
FOCAD-related disorder. Also called: FOCAD-related condition.

Allele frequency attached by ClinVar (database versions not stated): gnomAD exomes 0.00040; 1000 Genomes Project 30x 0.00047; ESP Exome Variant Server 0.00008; 1000 Genomes Project 0.00060; ExAC 0.00051.
gnomAD v4.1: 593 of 1,613,568 alleles (0.037%); highest among the groups gnomAD compares: East Asian, 0.81%; 4 homozygotes.

Submissions (2):

Labcorp Genetics (formerly Invitae), Labcorp
Classification: Likely benign. Last evaluated: 2025-11-13. Review status: criteria provided, single submitter. Criteria: Invitae Variant Classification Sherloc (09022015). Collection method: clinical testing. Allele origin: germline.

PreventionGenetics, part of Exact Sciences
Classification: Likely benign for FOCAD-related condition. Last evaluated: 2022-02-21. Review status: no assertion criteria provided. Collection method: clinical testing. Allele origin: germline. Not counted in ClinVar's aggregate classification.
Comment: This variant is classified as likely benign based on ACMG/AMP sequence variant interpretation guidelines (Richards et al. 2015 PMID: 25741868, with internal and published modifications).